The following is an entry in ClinVar:

ClinVar aggregate classification (germline): Pathogenic (1 of 4 stars; one submission).

Conditions:
Hereditary spastic paraplegia 47. Also called: CEREBRAL PALSY, SPASTIC QUADRIPLEGIC, 5; adaptor protein 4 (AP-4) deficiency syndrome; Spastic paraplegia 47, autosomal recessive. Identifiers: Orphanet 280763, MedGen C3279738, MONDO:0013551, OMIM 614066.

Submission:

Centre for Mendelian Genomics, University Medical Centre Ljubljana
Classification: Pathogenic for Hereditary spastic paraplegia 47. Last evaluated: 2019-03-25. Review status: criteria provided, single submitter. Criteria: ACMG Guidelines, 2015. Collection method: clinical testing. Allele origin: unknown. Affected: yes.
Comment: This variant was classified as: Pathogenic. The following ACMG criteria were applied in classifying this variant: PVS1,PM2,PM3,PM6.

NM_001253852.3(AP4B1):c.1510+2T>C

Genes: AP4B1 (adaptor related protein complex 4 subunit beta 1; minus strand), AP4B1-AS1 (AP4B1 antisense RNA 1; plus strand). Cytogenetic location: 1p13.2.
Variant type: single nucleotide variant.
Coding change: c.1510+2T>C on transcript NM_001253852.3 (MANE Select); the canonical splice donor site of the intron after coding-DNA position 1510, T replaced by C.
Molecular consequence: splice donor variant.
Genome position (GRCh38, 1-based): chr1:113,896,256, A>G on the plus strand (T>C on the coding strand, the complement: AP4B1 is on the minus strand). VCF-style: chr1-113896256-A-G. GRCh37 (hg19) VCF-style: chr1-114438878-A-G.
Other names: c.1213+2T>C (NM_001253853.3); c.1510+2T>C (NM_006594.5); c.1006+2T>C (NM_001308312.2).
Identifiers: ClinVar variation 932008 (VCV000932008.3), dbSNP rs1667449135, ClinGen allele CA341709697.